The following is an entry in ClinVar:

NM_021628.3(ALOXE3):c.1786-2A>G

Gene: ALOXE3 (arachidonate epidermal lipoxygenase 3; minus strand). Cytogenetic location: 17p13.1.
Variant type: single nucleotide variant.
Coding change: c.1786-2A>G on transcript NM_021628.3 (MANE Select); the canonical splice acceptor site of the intron before coding-DNA position 1786, A replaced by G.
Molecular consequence: splice acceptor variant.
Genome position (GRCh38, 1-based): chr17:8,103,495, T>C on the plus strand (A>G on the coding strand, the complement: ALOXE3 is on the minus strand). VCF-style: chr17-8103495-T-C. GRCh37 (hg19) VCF-style: chr17-8006813-T-C.
Other names: c.2182-2A>G (NM_001165960.1); c.1783-2A>G (NM_001369446.1).
Identifiers: ClinVar variation 379699 (VCV000379699.8), dbSNP rs139375856, ClinGen allele CA8367937.

ClinVar aggregate classification (germline): Conflicting classifications of pathogenicity. Review status: criteria provided, conflicting classifications (1 of 4 stars). 4 submissions from 4 submitters: Likely pathogenic (2); Uncertain significance (1). 1 of the submissions does not count toward it. Last evaluated 2025-10-29.

Conditions:
Autosomal recessive congenital ichthyosis 3 (ARCI3). Also called: ICHTHYOSIS, LAMELLAR, 5. Identifiers: MedGen C3539888, MONDO:0011680, OMIM 606545.

Allele frequency attached by ClinVar (database versions not stated): gnomAD exomes below 0.00001 and 0.00002; gnomAD 0.00001; ExAC 0.00002; ESP Exome Variant Server 0.00008.
gnomAD v4.1: 7 of 1,613,866 alleles (0.00043%); highest among the groups gnomAD compares: Non-Finnish European, 0.00059%; no homozygotes.

Submissions (4):

Labcorp Genetics (formerly Invitae), Labcorp
Classification: Likely pathogenic. Last evaluated: 2025-10-29. Review status: criteria provided, single submitter. Criteria: Invitae Variant Classification Sherloc (09022015). Collection method: clinical testing. Allele origin: germline.
Comment: This sequence change affects an acceptor splice site in intron 14 of the ALOXE3 gene. It is expected to disrupt RNA splicing. Variants that disrupt the donor or acceptor splice site typically lead to a loss of protein function (PMID: 16199547), and loss-of-function variants in ALOXE3 are known to be pathogenic (PMID: 11773004, 19890349, 27025581). This variant is present in population databases (rs139375856, gnomAD 0.004%). Disruption of this splice site has been observed in individual(s) with congenital ichthyosis (PMID: 33435499). ClinVar contains an entry for this variant (Variation ID: 379699). Algorithms developed to predict the effect of sequence changes on RNA splicing suggest that this variant may disrupt the consensus splice site. In summary, the currently available evidence indicates that the variant is pathogenic, but additional data are needed to prove that conclusively. Therefore, this variant has been classified as Likely Pathogenic.

Blueprint Genetics
Classification: Uncertain significance. Last evaluated: 2024-11-26. Review status: criteria provided, single submitter. Criteria: ACMG Guidelines, 2015. Collection method: clinical testing. Allele origin: germline.

GeneDx
Classification: Likely pathogenic. Last evaluated: 2024-03-22. Review status: criteria provided, single submitter. Criteria: GeneDx Variant Classification Process June 2021. Collection method: clinical testing. Allele origin: germline. Affected: yes.
Comment: Observed with a pathogenic ALOXE3 variant in a patient with ARCI reported in the published literature, but it is not known whether the variants occurred on the same (in cis) or on different (in trans) chromosomes, and variants were also reported in another ARCI gene (PMID: 33435499); Canonical splice site variant predicted to result in an in-frame loss of the adjacent exon in a gene for which loss of function is a known mechanism of disease; This variant is associated with the following publications: (PMID: 33435499)

Institute for Human Genetics, University Medical Center Freiburg
Classification: Pathogenic for Autosomal recessive congenital ichthyosis 3. Last evaluated: 2021-01-07. Review status: no assertion criteria provided. Collection method: clinical testing. Allele origin: unknown. Affected: yes. Not counted in ClinVar's aggregate classification.

Literature cited by the submitters: PubMed 16199547 (cited by Labcorp Genetics (formerly Invitae), Labcorp); PubMed 11773004 (cited by Labcorp Genetics (formerly Invitae), Labcorp); PubMed 19890349 (cited by Labcorp Genetics (formerly Invitae), Labcorp); PubMed 27025581 (cited by Labcorp Genetics (formerly Invitae), Labcorp); PubMed 33435499 (cited by Labcorp Genetics (formerly Invitae), Labcorp).